The following is an entry in ClinVar:

NM_015443.4(KANSL1):c.2269G>A (p.Val757Met)

Gene: KANSL1 (KAT8 regulatory NSL complex subunit 1). Cytogenetic location: 17q21.31.
Variant type: single nucleotide variant.
Coding change: c.2269G>A on transcript NM_015443.4 (MANE Select); coding-DNA position 2269, G replaced by A.
Protein change: p.Val757Met; replaces valine 757 with methionine.
Molecular consequence: missense variant.
Genome position (GRCh38, 1-based): chr17:46,039,150, C>T on the plus strand (G>A on the coding strand, the complement: KANSL1 is on the minus strand). VCF-style: chr17-46039150-C-T. GRCh37 (hg19) VCF-style: chr17-44116516-C-T.
Other names: c.2269G>A, p.Val757Met (NM_001193465.2, NM_001193466.2, NM_001379198.1); short protein forms V757M.
Identifiers: ClinVar variation 1005636 (VCV001005636.10), dbSNP rs749337566, ClinGen allele CA8618613.

ClinVar aggregate classification (germline): Conflicting classifications of pathogenicity. Review status: criteria provided, conflicting classifications (1 of 4 stars). 3 submissions from 3 submitters: Uncertain significance (2); Likely benign (1). Last evaluated 2026-01-11.

Conditions:
Inborn genetic diseases. Identifiers: MedGen C0950123, MeSH D030342.
Koolen-de Vries syndrome (KDVS). Identifiers: Orphanet 96169, MedGen C1864871, MONDO:0012496, OMIM 610443.

Allele frequency attached by ClinVar (database versions not stated): gnomAD 0.00001; TOPMed 0.00001; ExAC 0.00002; gnomAD exomes 0.00002.
gnomAD v4.1: 20 of 1,611,826 alleles (0.0012%); highest among the groups gnomAD compares: South Asian, 0.011%; no homozygotes.

Submissions (3):

Labcorp Genetics (formerly Invitae), Labcorp
Classification: Uncertain significance for Koolen-de Vries syndrome. Last evaluated: 2026-01-11. Review status: criteria provided, single submitter. Criteria: Invitae Variant Classification Sherloc (09022015). Collection method: clinical testing. Allele origin: germline.
Comment: This sequence change replaces valine, which is neutral and non-polar, with methionine, which is neutral and non-polar, at codon 757 of the KANSL1 protein (p.Val757Met). This variant is present in population databases (rs749337566, gnomAD 0.007%). This variant has not been reported in the literature in individuals affected with KANSL1-related conditions. ClinVar contains an entry for this variant (Variation ID: 1005636). Invitae Evidence Modeling of protein sequence and biophysical properties (such as structural, functional, and spatial information, amino acid conservation, physicochemical variation, residue mobility, and thermodynamic stability) indicates that this missense variant is not expected to disrupt KANSL1 protein function with a negative predictive value of 80%. In summary, the available evidence is currently insufficient to determine the role of this variant in disease. Therefore, it has been classified as a Variant of Uncertain Significance.

Ambry Genetics
Classification: Likely benign for Inborn genetic diseases. Last evaluated: 2023-12-28. Review status: criteria provided, single submitter. Criteria: Ambry Variant Classification Scheme 2023. Collection method: clinical testing. Allele origin: germline.

Fulgent Genetics
Classification: Uncertain significance for Koolen-de Vries syndrome. Last evaluated: 2021-07-06. Review status: criteria provided, single submitter. Criteria: ACMG Guidelines, 2015. Collection method: clinical testing. Allele origin: unknown.